The following is an entry in ClinVar:

ClinVar aggregate classification (germline): Uncertain significance (1 of 4 stars; one submission).

Allele frequency attached by ClinVar (database versions not stated): gnomAD 0.00001; gnomAD exomes 0.00001; 1000 Genomes Project 0.00020; TOPMed below 0.00001; ExAC 0.00002; 1000 Genomes Project 30x 0.00016.
gnomAD v4.1: 8 of 1,614,228 alleles (0.0005%); highest among the groups gnomAD compares: East Asian, 0.018%; no homozygotes.

Submission:

Labcorp Genetics (formerly Invitae), Labcorp
Classification: Uncertain significance. Last evaluated: 2025-05-13. Review status: criteria provided, single submitter. Criteria: Invitae Variant Classification Sherloc (09022015). Collection method: clinical testing. Allele origin: germline.
Comment: This sequence change replaces serine, which is neutral and polar, with arginine, which is basic and polar, at codon 79 of the ACO2 protein (p.Ser79Arg). This variant is present in population databases (rs186922643, gnomAD 0.02%). This variant has not been reported in the literature in individuals affected with ACO2-related conditions. ClinVar contains an entry for this variant (Variation ID: 2104881). Invitae Evidence Modeling of protein sequence and biophysical properties (such as structural, functional, and spatial information, amino acid conservation, physicochemical variation, residue mobility, and thermodynamic stability) indicates that this missense variant is not expected to disrupt ACO2 protein function with a negative predictive value of 95%. In summary, the available evidence is currently insufficient to determine the role of this variant in disease. Therefore, it has been classified as a Variant of Uncertain Significance.

NM_001098.3(ACO2):c.237C>A (p.Ser79Arg)

Gene: ACO2 (aconitase 2; plus strand). Cytogenetic location: 22q13.2.
Variant type: single nucleotide variant.
Coding change: c.237C>A on transcript NM_001098.3 (MANE Select); coding-DNA position 237, C replaced by A.
Protein change: p.Ser79Arg; replaces serine 79 with arginine.
Molecular consequence: missense variant.
Genome position (GRCh38, 1-based): chr22:41,507,854, C>A. VCF-style: chr22-41507854-C-A. GRCh37 (hg19) VCF-style: chr22-41903858-C-A.
Other names: short protein forms S79R.
Identifiers: ClinVar variation 2104881 (VCV002104881.4), dbSNP rs186922643, ClinGen allele CA10257319.